The following is an entry in ClinVar:

NM_001288705.3(CSF1R):c.242_264del (p.Thr81fs)

Gene: CSF1R (colony stimulating factor 1 receptor; minus strand). Cytogenetic location: 5q32.
Variant type: Deletion.
Coding change: c.242_264del on transcript NM_001288705.3 (MANE Select); coding-DNA positions 242 to 264, 23 bases deleted (CCTATCGCTGCACTGAGCCTGGA).
Protein change: p.Thr81fs; shifts the reading frame from threonine 81.
Molecular consequence: frameshift variant. On other transcripts: 5 prime UTR variant (1), non-coding transcript variant (2).
Genome position (GRCh38, 1-based): chr5:150,080,810-150,080,832, TCCAGGCTCAGTGCAGCGATAGG deleted on the plus strand (CCTATCGCTGCACTGAGCCTGGA on the coding strand, the reverse complement: CSF1R is on the minus strand); deleting any 23 consecutive bases within chr5:150,080,810-150,080,835 gives the same sequence; the c. name uses the placement nearest the transcript's 3' end. VCF-style (leftmost placement, unchanged base first): chr5-150080809-CTCCAGGCTCAGTGCAGCGATAGG-C. GRCh37 (hg19) VCF-style: chr5-149460372-CTCCAGGCTCAGTGCAGCGATAGG-C.
Other names: c.242_264del, p.Thr81fs (NM_001349736.2, NM_001375320.1, NM_005211.4); c.-203_-181del (NM_001375321.1); short protein forms T81fs.
Identifiers: ClinVar variation 2052730 (VCV002052730.4), dbSNP rs2481049004, ClinGen allele CA2580073871.

ClinVar aggregate classification (germline): Pathogenic (1 of 4 stars; one submission).

Submission:

Labcorp Genetics (formerly Invitae), Labcorp
Classification: Pathogenic. Last evaluated: 2023-07-21. Review status: criteria provided, single submitter. Criteria: Invitae Variant Classification Sherloc (09022015). Collection method: clinical testing. Allele origin: germline.
Comment: This sequence change creates a premature translational stop signal (p.Thr81Argfs*142) in the CSF1R gene. It is expected to result in an absent or disrupted protein product. Loss-of-function variants in CSF1R are known to be pathogenic (PMID: 22046273, 24120500, 24145216, 24336230, 30982608, 30982609). This variant is not present in population databases (gnomAD no frequency). This variant has not been reported in the literature in individuals affected with CSF1R-related conditions. ClinVar contains an entry for this variant (Variation ID: 2052730). For these reasons, this variant has been classified as Pathogenic.

Literature cited by the submitters: PubMed 22046273; PubMed 24120500; PubMed 24145216; PubMed 24336230; PubMed 30982608; PubMed 30982609.